The following is an entry in ClinVar:

ClinVar aggregate classification (germline): Likely benign (0 of 4 stars; one submission).

Conditions:
AFF2-related disorder. Also called: AFF2-related condition.

Allele frequency attached by ClinVar (database versions not stated): gnomAD 0.00008; gnomAD exomes 0.00008; ExAC 0.00015; TOPMed 0.00015; 1000 Genomes Project 30x 0.00021; 1000 Genomes Project 0.00026.
gnomAD v4.1: 97 of 1,208,826 alleles (0.008%); highest among the groups gnomAD compares: East Asian, 0.015%; no homozygotes.

Submission:

PreventionGenetics, part of Exact Sciences
Classification: Likely benign for AFF2-related condition. Last evaluated: 2019-07-11. Review status: no assertion criteria provided. Collection method: clinical testing. Allele origin: germline.
Comment: This variant is classified as likely benign based on ACMG/AMP sequence variant interpretation guidelines (Richards et al. 2015 PMID: 25741868, with internal and published modifications).

NM_002025.4(AFF2):c.3033C>T (p.Thr1011=)

Gene: AFF2 (ALF transcription elongation factor 2; plus strand). Cytogenetic location: Xq28.
Variant type: single nucleotide variant.
Coding change: c.3033C>T on transcript NM_002025.4 (MANE Select); coding-DNA position 3033, C replaced by T.
Protein change: p.Thr1011=; no amino-acid change (threonine 1011 retained).
Molecular consequence: synonymous variant.
Genome position (GRCh38, 1-based): chrX:148,966,909, C>T. VCF-style: chrX-148966909-C-T. GRCh37 (hg19) VCF-style: chrX-148048439-C-T.
Other names: c.2928C>T, p.Thr976= (NM_001169122.2, NM_001169124.2); c.3003C>T, p.Thr1001= (NM_001169123.2); c.2916C>T, p.Thr972= (NM_001169125.2); c.1956C>T, p.Thr652= (NM_001170628.1).
Identifiers: ClinVar variation 3034121 (VCV003034121.2), dbSNP rs201632076, ClinGen allele CA10537238.